The following is an entry in ClinVar:

ClinVar aggregate classification (germline): Uncertain significance (1 of 4 stars; one submission).

Conditions:
Inborn genetic diseases. Identifiers: MedGen C0950123, MeSH D030342.

Allele frequency attached by ClinVar (database versions not stated): gnomAD exomes below 0.00001; ExAC 0.00001.
gnomAD v4.1: 1 of 1,536,616 alleles (0.000065%); highest among the groups gnomAD compares: Non-Finnish European, 0.000088%; no homozygotes.

Submission:

Ambry Genetics
Classification: Uncertain significance for Inborn genetic diseases. Last evaluated: 2022-10-21. Review status: criteria provided, single submitter. Criteria: Ambry Variant Classification Scheme 2023. Collection method: clinical testing. Allele origin: germline.
Comment: The c.4208+3A>G intronic alteration results from an A to G substitution 3 nucleotides after coding exon 29 of the ARFGEF1 gene. Based on data from gnomAD, the G allele has an overall frequency of 0.001% (1/214318) total alleles studied. The highest observed frequency was 0.001% (1/103340) of European (non-Finnish) alleles. This nucleotide position is highly conserved in available vertebrate species. In silico splice site analysis predicts that this alteration may result in the creation or strengthening of a novel splice donor site. Based on insufficient or conflicting evidence, the clinical significance of this alteration remains unclear.

NM_006421.5(ARFGEF1):c.4208+3A>G

Gene: ARFGEF1 (ARF guanine nucleotide exchange factor 1; minus strand). Cytogenetic location: 8q13.2.
Variant type: single nucleotide variant.
Coding change: c.4208+3A>G on transcript NM_006421.5 (MANE Select); 3 bases into the intron after coding-DNA position 4208, A replaced by G.
Molecular consequence: intron variant.
Genome position (GRCh38, 1-based): chr8:67,224,900, T>C on the plus strand (A>G on the coding strand, the complement: ARFGEF1 is on the minus strand). VCF-style: chr8-67224900-T-C. GRCh37 (hg19) VCF-style: chr8-68137135-T-C.
Other names: c.*108A>G (NM_001413195.1).
Identifiers: ClinVar variation 2226676 (VCV002226676.2), dbSNP rs757812493, ClinGen allele CA4771652.